The following is an entry in ClinVar:

NM_001171613.2(PREPL):c.1791T>C (p.Pro597=)

Genes: PREPL (prolyl endopeptidase like; minus strand), SLC3A1 (solute carrier family 3 member 1; plus strand). Cytogenetic location: 2p21.
Variant type: single nucleotide variant.
Coding change: c.1791T>C on transcript NM_001171613.2 (MANE Select); coding-DNA position 1791, T replaced by C.
Protein change: p.Pro597=; no amino-acid change (proline 597 retained).
Molecular consequence: synonymous variant.
Genome position (GRCh38, 1-based): chr2:44,321,863, A>G on the plus strand (T>C on the coding strand, the complement: PREPL is on the minus strand). VCF-style: chr2-44321863-A-G. GRCh37 (hg19) VCF-style: chr2-44549002-A-G.
Other names: c.1872T>C, p.Pro624= (NM_001042385.2); c.1860T>C, p.Pro620= (NM_001042386.2); c.2058T>C, p.Pro686= (NM_001171603.1, NM_001171606.2, NM_001374275.1 and 2 more transcripts); c.1791T>C, p.Pro597= (NM_001171617.1, NM_001374277.1).
Identifiers: ClinVar variation 705724 (VCV000705724.12), dbSNP rs189954086, ClinGen allele CA1640946.

ClinVar aggregate classification (germline): Likely benign. Review status: criteria provided, multiple submitters, no conflicts (2 of 4 stars). 2 submissions from 2 submitters: Likely benign (2). Last evaluated 2026-01-07.

Conditions:
Myasthenic syndrome, congenital, 22 (CMS22). Also called: PREPL DEFICIENCY. Identifiers: MedGen C4479088, MONDO:0044299, OMIM 616224.
PREPL-related disorder. Also called: PREPL-related condition.

Allele frequency attached by ClinVar (database versions not stated): ExAC 0.00003; gnomAD exomes 0.00005 and 0.00009; gnomAD 0.00021; 1000 Genomes Project 0.00040; TOPMed 0.00045; 1000 Genomes Project 30x 0.00047.
gnomAD v4.1: 68 of 1,613,742 alleles (0.0042%); highest among the groups gnomAD compares: Admixed American, 0.097%; no homozygotes.

Submissions (2):

PreventionGenetics, part of Exact Sciences
Classification: Likely benign for PREPL-related condition. Last evaluated: 2026-01-07. Review status: criteria provided, single submitter. Criteria: ACMG Guidelines, 2015. Collection method: clinical testing. Allele origin: germline.
Comment: This variant is classified as likely benign based on ACMG/AMP sequence variant interpretation guidelines (Richards et al. 2015 PMID: 25741868, with internal and published modifications).

Labcorp Genetics (formerly Invitae), Labcorp
Classification: Likely benign for Myasthenic syndrome, congenital, 22. Last evaluated: 2025-11-21. Review status: criteria provided, single submitter. Criteria: Invitae Variant Classification Sherloc (09022015). Collection method: clinical testing. Allele origin: germline.